The following is an entry in ClinVar:

ClinVar aggregate classification (germline): Pathogenic. Review status: reviewed by expert panel (3 of 4 stars). 3 submissions from 3 submitters: Pathogenic (1). 2 of the submissions do not count toward it. Last evaluated 2016-10-18.

Conditions:
Hereditary cancer-predisposing syndrome. Also called: Hereditary Cancer Syndrome; Neoplastic Syndromes, Hereditary; Hereditary neoplastic syndrome; Tumor predisposition. Identifiers: Orphanet 140162, MedGen C0027672, MeSH D009386, MONDO:0015356.
Breast-ovarian cancer, familial, susceptibility to, 1 (BROVCA1). Also called: BRCA1 Hereditary Breast and Ovarian Cancer; OVARIAN CANCER, SUSCEPTIBILITY TO. Identifiers: Orphanet 145, MedGen C2676676, MONDO:0011450, OMIM 604370. Disease mechanism: loss of function.

Submissions (3):

Evidence-based Network for the Interpretation of Germline Mutant Alleles (ENIGMA)
Classification: Pathogenic for Breast-ovarian cancer, familial, susceptibility to, 1. Last evaluated: 2016-10-18. Review status: reviewed by expert panel. Criteria: ENIGMA BRCA1/2 Classification Criteria (2015). Collection method: curation. Allele origin: germline.
Comment: Variant allele predicted to encode a truncated non-functional protein.

Ambry Genetics
Classification: Pathogenic for Hereditary cancer-predisposing syndrome. Last evaluated: 2017-07-17. Review status: criteria provided, single submitter. Criteria: Ambry Variant Classification Scheme 2023. Collection method: clinical testing. Allele origin: germline. Not counted in ClinVar's aggregate classification.
Comment: The p.Y1625* pathogenic mutation (also known as c.4875T>A), located in coding exon 14 of the BRCA1 gene, results from a T to A substitution at nucleotide position 4875. This changes the amino acid from a tyrosine to a stop codon within coding exon 14. This alteration is expected to result in loss of function by premature protein truncation or nonsense-mediated mRNA decay. As such, this alteration is interpreted as a disease-causing mutation.

Consortium of Investigators of Modifiers of BRCA1/2 (CIMBA), c/o University of Cambridge
Classification: Pathogenic for Breast-ovarian cancer, familial, susceptibility to, 1. Last evaluated: 2015-10-02. Review status: criteria provided, single submitter. Criteria: CIMBA Mutation Classification guidelines May 2016. Collection method: clinical testing. Allele origin: germline. Not counted in ClinVar's aggregate classification.

NM_007294.4(BRCA1):c.4875T>A (p.Tyr1625Ter)

Gene: BRCA1 (BRCA1 DNA repair associated; minus strand). Cytogenetic location: 17q21.31.
Variant type: single nucleotide variant.
Coding change: c.4875T>A on transcript NM_007294.4 (MANE Select); coding-DNA position 4875, T replaced by A.
Protein change: p.Tyr1625Ter; replaces tyrosine 1625 with a stop codon.
Molecular consequence: nonsense. On other transcripts: non-coding transcript variant (1).
Genome position (GRCh38, 1-based): chr17:43,071,039, A>T on the plus strand (T>A on the coding strand, the complement: BRCA1 is on the minus strand). VCF-style: chr17-43071039-A-T. GRCh37 (hg19) VCF-style: chr17-41223056-A-T.
Other names: 4994T>A; c.4872T>A, p.Tyr1624Ter (NM_001407622.1, NM_001407623.1, NM_001407624.1 and 17 more transcripts); c.4869T>A, p.Tyr1623Ter (NM_001407627.1, NM_001407638.1, NM_001407639.1 and 14 more transcripts); c.4866T>A, p.Tyr1622Ter (NM_001407644.1, NM_001407645.1); c.4863T>A, p.Tyr1621Ter (NM_001407646.1); c.4860T>A, p.Tyr1620Ter (NM_001407647.1); c.4791T>A, p.Tyr1597Ter (NM_001407660.1, NM_001407661.1, NM_001407662.1 and 2 more transcripts); c.4752T>A, p.Tyr1584Ter (NM_001407664.1, NM_001407665.1, NM_001407666.1 and 6 more transcripts); and 71 more; short protein forms Y1625*, Y1646*, Y1578*, Y521*, Y1471*, Y1496*, Y1497*, Y1514*.
Identifiers: ClinVar variation 266499 (VCV000266499.10), dbSNP rs886040251, ClinGen allele CA10589642.